The following is an entry in ClinVar:

ClinVar aggregate classification (germline): Uncertain significance. Review status: criteria provided, multiple submitters, no conflicts (2 of 4 stars). 2 submissions from 2 submitters: Uncertain significance (2). Last evaluated 2024-05-01.

Conditions:
Birt-Hogg-Dube syndrome. Also called: Birt Hogg Dubé syndrome. Identifiers: Orphanet 122, MedGen C0346010, MONDO:0800444.
Hereditary cancer-predisposing syndrome. Also called: Neoplastic Syndromes, Hereditary; Hereditary Cancer Syndrome; Tumor predisposition; Hereditary neoplastic syndrome. Identifiers: Orphanet 140162, MedGen C0027672, MeSH D009386, MONDO:0015356.

Submissions (2):

Labcorp Genetics (formerly Invitae), Labcorp
Classification: Uncertain significance for Birt-Hogg-Dube syndrome. Last evaluated: 2024-05-01. Review status: criteria provided, single submitter. Criteria: Invitae Variant Classification Sherloc (09022015). Collection method: clinical testing. Allele origin: germline.
Comment: This sequence change replaces valine, which is neutral and non-polar, with leucine, which is neutral and non-polar, at codon 397 of the FLCN protein (p.Val397Leu). This variant is not present in population databases (gnomAD no frequency). This variant has not been reported in the literature in individuals affected with FLCN-related conditions. ClinVar contains an entry for this variant (Variation ID: 1516068). Advanced modeling of protein sequence and biophysical properties (such as structural, functional, and spatial information, amino acid conservation, physicochemical variation, residue mobility, and thermodynamic stability) performed at Invitae indicates that this missense variant is not expected to disrupt FLCN protein function with a negative predictive value of 80%. In summary, the available evidence is currently insufficient to determine the role of this variant in disease. Therefore, it has been classified as a Variant of Uncertain Significance.

Ambry Genetics
Classification: Uncertain significance for Hereditary cancer-predisposing syndrome. Last evaluated: 2023-12-27. Review status: criteria provided, single submitter. Criteria: Ambry Variant Classification Scheme 2023. Collection method: clinical testing. Allele origin: germline.
Comment: The p.V397L variant (also known as c.1189G>T), located in coding exon 8 of the FLCN gene, results from a G to T substitution at nucleotide position 1189. The valine at codon 397 is replaced by leucine, an amino acid with highly similar properties. This amino acid position is highly conserved in available vertebrate species. In addition, the in silico prediction for this alteration is inconclusive. Since supporting evidence is limited at this time, the clinical significance of this alteration remains unclear.

NM_144997.7(FLCN):c.1189G>T (p.Val397Leu)

Gene: FLCN (folliculin; minus strand). Cytogenetic location: 17p11.2.
Variant type: single nucleotide variant.
Coding change: c.1189G>T on transcript NM_144997.7 (MANE Select); coding-DNA position 1189, G replaced by T.
Protein change: p.Val397Leu; replaces valine 397 with leucine.
Molecular consequence: missense variant.
Genome position (GRCh38, 1-based): chr17:17,216,491, C>A on the plus strand (G>T on the coding strand, the complement: FLCN is on the minus strand). VCF-style: chr17-17216491-C-A. GRCh37 (hg19) VCF-style: chr17-17119805-C-A.
Other names: c.1243G>T, p.Val415Leu (NM_001353229.2); c.1189G>T, p.Val397Leu (NM_001353230.2, NM_001353231.2); short protein forms V415L, V397L.
Identifiers: ClinVar variation 1516068 (VCV001516068.10), dbSNP rs752006809, ClinGen allele CA398531985.